The following is an entry in ClinVar:

NM_014845.6(FIG4):c.2066C>A (p.Thr689Asn)

Gene: FIG4 (FIG4 phosphoinositide 5-phosphatase; plus strand). Cytogenetic location: 6q21.
Variant type: single nucleotide variant.
Coding change: c.2066C>A on transcript NM_014845.6 (MANE Select); coding-DNA position 2066, C replaced by A.
Protein change: p.Thr689Asn; replaces threonine 689 with asparagine.
Molecular consequence: missense variant.
Genome position (GRCh38, 1-based): chr6:109,786,419, C>A. VCF-style: chr6-109786419-C-A. GRCh37 (hg19) VCF-style: chr6-110107622-C-A.
Other names: short protein forms T689N.
Identifiers: ClinVar variation 1482167 (VCV001482167.5), dbSNP rs1470703929, ClinGen allele CA365231964.

ClinVar aggregate classification (germline): Uncertain significance (1 of 4 stars; one submission).

Conditions:
Charcot-Marie-Tooth disease type 4. Also called: Charcot-Marie-Tooth disease, type IV; Charcot-Marie-Tooth, Type 4. Identifiers: Orphanet 64749, MedGen C4082197, MONDO:0018995.

Submission:

Labcorp Genetics (formerly Invitae), Labcorp
Classification: Uncertain significance for Charcot-Marie-Tooth disease type 4. Last evaluated: 2024-03-04. Review status: criteria provided, single submitter. Criteria: Invitae Variant Classification Sherloc (09022015). Collection method: clinical testing. Allele origin: germline.
Comment: This sequence change replaces threonine, which is neutral and polar, with asparagine, which is neutral and polar, at codon 689 of the FIG4 protein (p.Thr689Asn). This variant is not present in population databases (gnomAD no frequency). This variant has not been reported in the literature in individuals affected with FIG4-related conditions. ClinVar contains an entry for this variant (Variation ID: 1482167). An algorithm developed to predict the effect of missense changes on protein structure and function (PolyPhen-2) suggests that this variant¬†is likely to be tolerated. In summary, the available evidence is currently insufficient to determine the role of this variant in disease. Therefore, it has been classified as a Variant of Uncertain Significance.